The following is an entry in ClinVar:

NM_025009.5(CEP135):c.3215+1G>A

Gene: CEP135 (centrosomal protein 135; plus strand). Cytogenetic location: 4q12.
Variant type: single nucleotide variant.
Coding change: c.3215+1G>A on transcript NM_025009.5 (MANE Select); the canonical splice donor site of the intron after coding-DNA position 3215, G replaced by A.
Molecular consequence: splice donor variant.
Genome position (GRCh38, 1-based): chr4:56,019,556, G>A. VCF-style: chr4-56019556-G-A. GRCh37 (hg19) VCF-style: chr4-56885722-G-A.
Identifiers: ClinVar variation 2855250 (VCV002855250.3), dbSNP rs769347062, ClinGen allele CA356974798.

ClinVar aggregate classification (germline): Likely pathogenic (1 of 4 stars; one submission).

gnomAD v4.1: 1 of 1,605,786 alleles (0.000062%); highest among the groups gnomAD compares: Non-Finnish European, 0.000085%; no homozygotes.

Submission:

Labcorp Genetics (formerly Invitae), Labcorp
Classification: Likely pathogenic. Last evaluated: 2023-04-22. Review status: criteria provided, single submitter. Criteria: Invitae Variant Classification Sherloc (09022015). Collection method: clinical testing. Allele origin: germline.
Comment: This sequence change affects a donor splice site in intron 23 of the CEP135 gene. It is expected to disrupt RNA splicing. Variants that disrupt the donor or acceptor splice site typically lead to a loss of protein function (PMID: 16199547), and loss-of-function variants in CEP135 are known to be pathogenic (PMID: 22521416, 26657937). This variant is not present in population databases (gnomAD no frequency). This variant has not been reported in the literature in individuals affected with CEP135-related conditions. Algorithms developed to predict the effect of sequence changes on RNA splicing suggest that this variant may disrupt the consensus splice site. In summary, the currently available evidence indicates that the variant is pathogenic, but additional data are needed to prove that conclusively. Therefore, this variant has been classified as Likely Pathogenic.

Literature cited by the submitters: PubMed 16199547; PubMed 22521416; PubMed 26657937.